The following is an entry in ClinVar:

ClinVar aggregate classification (germline): Uncertain significance (1 of 4 stars; one submission).

Conditions:
Hereditary cancer-predisposing syndrome. Also called: Tumor predisposition; Hereditary Cancer Syndrome; Hereditary neoplastic syndrome; Neoplastic Syndromes, Hereditary. Identifiers: Orphanet 140162, MedGen C0027672, MeSH D009386, MONDO:0015356.

Submission:

Ambry Genetics
Classification: Uncertain significance for Hereditary cancer-predisposing syndrome. Last evaluated: 2025-10-01. Review status: criteria provided, single submitter. Criteria: Ambry Variant Classification Scheme 2023. Collection method: clinical testing. Allele origin: germline.
Comment: The p.T1330S variant (also known as c.3988A>T), located in coding exon 32 of the TSC2 gene, results from an A to T substitution at nucleotide position 3988. The threonine at codon 1330 is replaced by serine, an amino acid with similar properties. This amino acid position is conserved. In addition, this alteration is predicted to be tolerated by in silico analysis. Based on the available evidence, the clinical significance of this variant remains unclear.

NM_000548.5(TSC2):c.3988A>T (p.Thr1330Ser)

Gene: TSC2 (TSC complex subunit 2; plus strand). Cytogenetic location: 16p13.3.
Variant type: single nucleotide variant.
Coding change: c.3988A>T on transcript NM_000548.5 (MANE Select); coding-DNA position 3988, A replaced by T.
Protein change: p.Thr1330Ser; replaces threonine 1330 with serine.
Molecular consequence: missense variant. On other transcripts: non-coding transcript variant (5).
Genome position (GRCh38, 1-based): chr16:2,083,799, A>T. VCF-style: chr16-2083799-A-T. GRCh37 (hg19) VCF-style: chr16-2133800-A-T.
Other names: c.3787A>T, p.Thr1263Ser (NM_001077183.3); c.3919A>T, p.Thr1307Ser (NM_001114382.3); c.3679A>T, p.Thr1227Ser (NM_001318827.2); c.3643A>T, p.Thr1215Ser (NM_001318829.2); c.3256A>T, p.Thr1086Ser (NM_001318831.2); c.3820A>T, p.Thr1274Ser (NM_001318832.2); c.3790A>T, p.Thr1264Ser (NM_001363528.2); c.3856A>T, p.Thr1286Ser (NM_001370404.1); and 26 more; short protein forms T1106S, T1130S, T1226S, T1257S, T1258S, T1260S, T1304S, T1307S.
Identifiers: ClinVar variation 4556805 (VCV004556805.1).
Genomic context (GRCh38, chr16:2,083,799, plus strand): 5'-GTGCTGGTGGAGCCCCCAGGGTTGGAGGACGTTGAGGCAGCGCTAGGCATGGACAGGCGC[A>T]CGGATGCCTACAGCAGGGTGAGTGTGGCTCAGAGCCTGGACCCTGCTGACCTCGGGGGGC-3'
Protein context (NP_000539.2, residues 1320-1340): VEAALGMDRR[Thr1330Ser]DAYSRSSSVS